The following is an entry in ClinVar:

NM_002709.3(PPP1CB):c.744+8A>G

Gene: PPP1CB (protein phosphatase 1 catalytic subunit beta; plus strand). Cytogenetic location: 2p23.2.
Variant type: single nucleotide variant.
Coding change: c.744+8A>G on transcript NM_002709.3 (MANE Select); 8 bases into the intron after coding-DNA position 744, A replaced by G.
Molecular consequence: intron variant.
Genome position (GRCh38, 1-based): chr2:28,788,817, A>G. VCF-style: chr2-28788817-A-G. GRCh37 (hg19) VCF-style: chr2-29011683-A-G.
Other names: c.744+8A>G (NM_206876.2).
Identifiers: ClinVar variation 1952599 (VCV001952599.6), dbSNP rs2465745645, ClinGen allele CA2580066396.
Genomic context (GRCh38, chr2:28,788,817, plus strand): 5'-TCAGTAAATTTCTGAATCGTCATGATTTAGATTTGATTTGTCGAGCTCATCAGGTATGAA[A>G]TATAAAACTCTTAAGCTTTTTCTTTTTTCTTTCTTTTTTTTGGGGGCAGACGGAGGGGCA-3'

ClinVar aggregate classification (germline): Conflicting classifications of pathogenicity. Review status: criteria provided, conflicting classifications (1 of 4 stars). 2 submissions from 2 submitters: Uncertain significance (1); Likely benign (1). Last evaluated 2024-01-29.

Submissions (2):

Women's Health and Genetics/Laboratory Corporation of America, LabCorp
Classification: Uncertain significance. Last evaluated: 2024-01-29. Review status: criteria provided, single submitter. Criteria: LabCorp Variant Classification Summary - May 2015. Collection method: clinical testing. Allele origin: germline.
Comment: Variant summary: PPP1CB c.744+8A>G alters a non-conserved nucleotide located close to a canonical splice site and therefore could affect mRNA splicing, leading to a significantly altered protein sequence. Consensus agreement among computation tools predict no significant impact on normal splicing. However, these predictions have yet to be confirmed by functional studies. The variant was absent in 221258 control chromosomes. The available data on variant occurrences in the general population are insufficient to allow any conclusion about variant significance. To our knowledge, no occurrence of c.744+8A>G in individuals affected with Noonan Syndrome And Related Conditions and no experimental evidence demonstrating its impact on protein function have been reported. ClinVar contains an entry for this variant (Variation ID: 1952599). Based on the evidence outlined above, the variant was classified as uncertain significance.

Labcorp Genetics (formerly Invitae), Labcorp
Classification: Likely benign. Last evaluated: 2022-09-03. Review status: criteria provided, single submitter. Criteria: Invitae Variant Classification Sherloc (09022015). Collection method: clinical testing. Allele origin: germline.